The following is an entry in ClinVar:

ClinVar aggregate classification (germline): Uncertain significance (1 of 4 stars; one submission).

Conditions:
Aicardi-Goutieres syndrome 4. Identifiers: Orphanet 51, MedGen C1835912, MONDO:0012472, OMIM 610333.

gnomAD v4.1: 2 of 1,614,138 alleles (0.00012%); highest among the groups gnomAD compares: Non-Finnish European, 0.00017%; no homozygotes.

Submission:

Labcorp Genetics (formerly Invitae), Labcorp
Classification: Uncertain significance for Aicardi-Goutieres syndrome 4. Last evaluated: 2023-07-21. Review status: criteria provided, single submitter. Criteria: Invitae Variant Classification Sherloc (09022015). Collection method: clinical testing. Allele origin: germline.
Comment: In summary, the available evidence is currently insufficient to determine the role of this variant in disease. Therefore, it has been classified as a Variant of Uncertain Significance. Advanced modeling of protein sequence and biophysical properties (such as structural, functional, and spatial information, amino acid conservation, physicochemical variation, residue mobility, and thermodynamic stability) performed at Invitae indicates that this missense variant is not expected to disrupt RNASEH2A protein function. ClinVar contains an entry for this variant (Variation ID: 965077). This variant has not been reported in the literature in individuals affected with RNASEH2A-related conditions. This variant is not present in population databases (gnomAD no frequency). This sequence change replaces arginine, which is basic and polar, with cysteine, which is neutral and slightly polar, at codon 56 of the RNASEH2A protein (p.Arg56Cys).

NM_006397.3(RNASEH2A):c.166C>T (p.Arg56Cys)

Gene: RNASEH2A (ribonuclease H2 subunit A; plus strand). Cytogenetic location: 19p13.13.
Variant type: single nucleotide variant.
Coding change: c.166C>T on transcript NM_006397.3 (MANE Select); coding-DNA position 166, C replaced by T.
Protein change: p.Arg56Cys; replaces arginine 56 with cysteine.
Molecular consequence: missense variant.
Genome position (GRCh38, 1-based): chr19:12,807,046, C>T. VCF-style: chr19-12807046-C-T. GRCh37 (hg19) VCF-style: chr19-12917860-C-T.
Other names: short protein forms R56C.
Identifiers: ClinVar variation 965077 (VCV000965077.7), dbSNP rs1969003412, ClinGen allele CA404264143.
Genomic context (GRCh38, chr19:12,807,046, plus strand): 5'-AACTGACACCCCTTCTCCCCAGGCCCCATGGTCTACGCCATCTGTTATTGTCCCCTGCCT[C>T]GCCTGGCAGATCTGGAGGCGCTGAAAGTGGCAGGTGAGCCCGAGGTGTGCGTCTGGGGAA-3'
Protein context (NP_006388.2, residues 46-66): VYAICYCPLP[Arg56Cys]LADLEALKVA